The following is an entry in ClinVar:

NM_001004685.1(OR2F2):c.659G>A (p.Arg220Gln)

Gene: OR2F2 (olfactory receptor family 2 subfamily F member 2; plus strand). Cytogenetic location: 7q35.
Variant type: single nucleotide variant.
Coding change: c.659G>A on transcript NM_001004685.1 (MANE Select); coding-DNA position 659, G replaced by A.
Protein change: p.Arg220Gln; replaces arginine 220 with glutamine.
Molecular consequence: missense variant.
Genome position (GRCh38, 1-based): chr7:143,935,891, G>A. VCF-style: chr7-143935891-G-A. GRCh37 (hg19) VCF-style: chr7-143632984-G-A.
Other names: short protein forms R220Q.
Identifiers: ClinVar variation 1290091 (VCV001290091.3), dbSNP rs61740239, ClinGen allele CA4541214.

ClinVar aggregate classification (germline): Benign. Review status: criteria provided, multiple submitters, no conflicts (2 of 4 stars). 2 submissions from 2 submitters: Benign (2). Last evaluated 2018-07-13.

Allele frequency attached by ClinVar (database versions not stated): TOPMed 0.02832; 1000 Genomes Project 0.02975; 1000 Genomes Project 30x 0.02983; gnomAD 0.03222 and 0.03273; ESP Exome Variant Server 0.03275; gnomAD exomes 0.03325 and 0.03565; ExAC 0.03393.
gnomAD v4.1: 56,958 of 1,613,988 alleles (3.5%); highest among the groups gnomAD compares: South Asian, 4.7%; 1,219 homozygotes.

Submissions (2):

GeneDx
Classification: Benign. Last evaluated: 2018-07-13. Review status: criteria provided, single submitter. Criteria: GeneDx Variant Classification Process June 2021. Collection method: clinical testing. Allele origin: germline. Affected: yes.
Comment: This variant is associated with the following publications: (PMID: 25363768)

Breakthrough Genomics
Classification: Benign. Review status: criteria provided, single submitter. Criteria: ACMG Guidelines, 2015. Collection method: not provided. Allele origin: germline. Inheritance: Unknown mechanism. Affected: yes.